The following is an entry in ClinVar:

ClinVar aggregate classification (germline): Uncertain significance. Review status: criteria provided, multiple submitters, no conflicts (2 of 4 stars). 3 submissions from 3 submitters: Uncertain significance (3). Last evaluated 2025-11-11.

Conditions:
Inborn genetic diseases. Identifiers: MedGen C0950123, MeSH D030342.
Predisposition to invasive fungal disease due to CARD9 deficiency (IMD103). Also called: CARD9 IMMUNODEFICIENCY; Candidiasis, familial, 2, autosomal recessive; IMMUNODEFICIENCY 103, SUSCEPTIBILITY TO FUNGAL INFECTIONS. Identifiers: Orphanet 457088, MedGen C1859353, MONDO:0008905, OMIM 212050.

Allele frequency attached by ClinVar (database versions not stated): gnomAD exomes below 0.00001 and 0.00001; ExAC 0.00002.
gnomAD v4.1: 6 of 1,613,104 alleles (0.00037%); highest among the groups gnomAD compares: South Asian, 0.0055%; no homozygotes.

Submissions (3):

Ambry Genetics
Classification: Uncertain significance for Inborn genetic diseases. Last evaluated: 2025-11-11. Review status: criteria provided, single submitter. Criteria: Ambry Variant Classification Scheme 2023. Collection method: clinical testing. Allele origin: germline.

Labcorp Genetics (formerly Invitae), Labcorp
Classification: Uncertain significance for Predisposition to invasive fungal disease due to CARD9 deficiency. Last evaluated: 2020-04-06. Review status: criteria provided, single submitter. Criteria: Invitae Variant Classification Sherloc (09022015). Collection method: clinical testing. Allele origin: germline.
Comment: In summary, the available evidence is currently insufficient to determine the role of this variant in disease. Therefore, it has been classified as a Variant of Uncertain Significance. Algorithms developed to predict the effect of missense changes on protein structure and function are either unavailable or do not agree on the potential impact of this missense change (SIFT: "Deleterious"; PolyPhen-2: "Benign"; Align-GVGD: "Class C0"). This variant has not been reported in the literature in individuals with CARD9-related conditions. ClinVar contains an entry for this variant (Variation ID: 365835). This variant is present in population databases (rs750049509, ExAC 0.01%). This sequence change replaces leucine with valine at codon 444 of the CARD9 protein (p.Leu444Val). The leucine residue is moderately conserved and there is a small physicochemical difference between leucine and valine.

Illumina Laboratory Services, Illumina
Classification: Uncertain significance for Predisposition to invasive fungal disease due to CARD9 deficiency. Last evaluated: 2018-01-12. Review status: criteria provided, single submitter. Criteria: ICSL Variant Classification Criteria 13 December 2019. Collection method: clinical testing. Allele origin: germline.

NM_052813.5(CARD9):c.1330C>G (p.Leu444Val)

Gene: CARD9 (caspase recruitment domain family member 9; minus strand). Cytogenetic location: 9q34.3.
Variant type: single nucleotide variant.
Coding change: c.1330C>G on transcript NM_052813.5 (MANE Select); coding-DNA position 1330, C replaced by G.
Protein change: p.Leu444Val; replaces leucine 444 with valine.
Molecular consequence: missense variant.
Genome position (GRCh38, 1-based): chr9:136,366,827, G>C on the plus strand (C>G on the coding strand, the complement: CARD9 is on the minus strand). VCF-style: chr9-136366827-G-C. GRCh37 (hg19) VCF-style: chr9-139261279-G-C.
Other names: c.1330C>G, p.Leu444Val (NM_052814.4); short protein forms L444V.
Identifiers: ClinVar variation 365835 (VCV000365835.12), dbSNP rs750049509, ClinGen allele CA5332701.